The following is an entry in ClinVar:

ClinVar aggregate classification (germline): Uncertain significance (1 of 4 stars; one submission).

Conditions:
Congenital contractural arachnodactyly (CCA). Also called: Beals-Hecht syndrome; Arthrogryposis, distal, type 9; BEALS SYNDROME. Identifiers: Orphanet 115, MedGen C0220668, MONDO:0007363, OMIM 121050.

Submission:

Labcorp Genetics (formerly Invitae), Labcorp
Classification: Uncertain significance for Congenital contractural arachnodactyly. Last evaluated: 2023-06-30. Review status: criteria provided, single submitter. Criteria: Invitae Variant Classification Sherloc (09022015). Collection method: clinical testing. Allele origin: unknown.
Comment: In summary, the available evidence is currently insufficient to determine the role of this variant in disease. Therefore, it has been classified as a Variant of Uncertain Significance. This variant has not been reported in the literature in individuals affected with FBN2-related conditions. This variant is a gross deletion of the genomic region encompassing exon(s) 1-10 of the FBN2 gene, which includes the initiator codon. This deletion extends beyond the assayed region for this gene and therefore may encompass additional genes. It is expected to result in an absent or disrupted protein product. However, the current clinical and genetic evidence is not sufficient to establish whether loss-of-function variants in FBN2 cause disease.

NC_000005.9:g.(?_127728808)_(127873296_?)del

Gene: FBN2 (fibrillin 2; minus strand). Cytogenetic location: 5q23.3.
Variant type: Deletion.
Identifiers: ClinVar variation 3246291 (VCV003246291.1).